The following is an entry in ClinVar:

NM_000081.4(LYST):c.2274A>T (p.Gln758His)

Gene: LYST (lysosomal trafficking regulator; minus strand). Cytogenetic location: 1q42.3.
Variant type: single nucleotide variant.
Coding change: c.2274A>T on transcript NM_000081.4 (MANE Select); coding-DNA position 2274, A replaced by T.
Protein change: p.Gln758His; replaces glutamine 758 with histidine.
Molecular consequence: missense variant.
Genome position (GRCh38, 1-based): chr1:235,808,544, T>A on the plus strand (A>T on the coding strand, the complement: LYST is on the minus strand). VCF-style: chr1-235808544-T-A. GRCh37 (hg19) VCF-style: chr1-235971844-T-A.
Other names: c.2274A>T, p.Gln758His (NM_001301365.1); short protein forms Q758H.
Identifiers: ClinVar variation 1960192 (VCV001960192.4), dbSNP rs750398465, ClinGen allele CA344958692.

ClinVar aggregate classification (germline): Uncertain significance (1 of 4 stars; one submission).

Conditions:
Chédiak-Higashi syndrome (CHS). Also called: Chediak-Higashi Syndrome. Identifiers: Orphanet 167, MedGen C0007965, MONDO:0008963, OMIM 214500.

Allele frequency attached by ClinVar (database versions not stated): TOPMed below 0.00001.

Submission:

Labcorp Genetics (formerly Invitae), Labcorp
Classification: Uncertain significance for Chédiak-Higashi syndrome. Last evaluated: 2024-04-29. Review status: criteria provided, single submitter. Criteria: Invitae Variant Classification Sherloc (09022015). Collection method: clinical testing. Allele origin: germline.
Comment: This sequence change replaces glutamine, which is neutral and polar, with histidine, which is basic and polar, at codon 758 of the LYST protein (p.Gln758His). This variant is not present in population databases (gnomAD no frequency). This variant has not been reported in the literature in individuals affected with LYST-related conditions. ClinVar contains an entry for this variant (Variation ID: 1960192). Advanced modeling of protein sequence and biophysical properties (such as structural, functional, and spatial information, amino acid conservation, physicochemical variation, residue mobility, and thermodynamic stability) performed at Invitae indicates that this missense variant is not expected to disrupt LYST protein function with a negative predictive value of 80%. In summary, the available evidence is currently insufficient to determine the role of this variant in disease. Therefore, it has been classified as a Variant of Uncertain Significance.